The following is an entry in ClinVar:

ClinVar aggregate classification (germline): Uncertain significance (1 of 4 stars; one submission).

Conditions:
Familial acute necrotizing encephalopathy (IIAE3). Also called: Susceptibility to Acute Necrotizing Encephalopathy 1; ENCEPHALOPATHY, ACUTE, INFECTION-INDUCED, SUSCEPTIBILITY TO, 3. Identifiers: Orphanet 88619, MedGen C2675556, MONDO:0011953, OMIM 608033.

Allele frequency attached by ClinVar (database versions not stated): TOPMed 0.00002; gnomAD exomes 0.00003.
gnomAD v4.1: 46 of 1,611,872 alleles (0.0029%); highest among the groups gnomAD compares: Admixed American, 0.012%; no homozygotes.

Submission:

Labcorp Genetics (formerly Invitae), Labcorp
Classification: Uncertain significance for Familial acute necrotizing encephalopathy. Last evaluated: 2017-06-14. Review status: criteria provided, single submitter. Criteria: Invitae Variant Classification Sherloc (09022015). Collection method: clinical testing. Allele origin: germline.
Comment: This sequence change replaces asparagine with aspartic acid at codon 728 of the RANBP2 protein (p.Asn728Asp). The asparagine residue is highly conserved and there is a small physicochemical difference between asparagine and aspartic acid. The frequency data for this variant in the population databases is considered unreliable, as metrics indicate poor data quality at this position in the ExAC database. This variant has not been reported in the literature in individuals with a RANBP2-related disease. Algorithms developed to predict the effect of missense changes on protein structure and function output the following: SIFT: "Tolerated"; PolyPhen-2: "Benign"; Align-GVGD: "Class C0". The aspartic acid amino acid residue is found in multiple mammalian species, suggesting that this missense change does not adversely affect protein function. These predictions have not been confirmed by published functional studies and their clinical significance is uncertain. In summary, this variant has uncertain impact on RANBP2 function. The available evidence is currently insufficient to determine its role in disease. Therefore, it has been classified as a Variant of Uncertain Significance.

NM_006267.5(RANBP2):c.2182A>G (p.Asn728Asp)

Gene: RANBP2 (RAN binding protein 2; plus strand). Cytogenetic location: 2q13.
Variant type: single nucleotide variant.
Coding change: c.2182A>G on transcript NM_006267.5 (MANE Select); coding-DNA position 2182, A replaced by G.
Protein change: p.Asn728Asp; replaces asparagine 728 with aspartic acid.
Molecular consequence: missense variant.
Genome position (GRCh38, 1-based): chr2:108,753,951, A>G. VCF-style: chr2-108753951-A-G. GRCh37 (hg19) VCF-style: chr2-109370407-A-G.
Other names: short protein forms N728D.
Identifiers: ClinVar variation 469437 (VCV000469437.1), dbSNP rs774474793, ClinGen allele CA1822581.